The following is an entry in ClinVar:

NM_000742.4(CHRNA2):c.502A>T (p.Thr168Ser)

Gene: CHRNA2 (cholinergic receptor nicotinic alpha 2 subunit; minus strand). Cytogenetic location: 8p21.2.
Variant type: single nucleotide variant.
Coding change: c.502A>T on transcript NM_000742.4 (MANE Select); coding-DNA position 502, A replaced by T.
Protein change: p.Thr168Ser; replaces threonine 168 with serine.
Molecular consequence: missense variant. On other transcripts: intron variant (2).
Genome position (GRCh38, 1-based): chr8:27,463,941, T>A on the plus strand (A>T on the coding strand, the complement: CHRNA2 is on the minus strand). VCF-style: chr8-27463941-T-A. GRCh37 (hg19) VCF-style: chr8-27321458-T-A.
Other names: c.457A>T, p.Thr153Ser (NM_001282455.2); c.25A>T, p.Thr9Ser (NM_001347705.2, NM_001347706.2); c.-12-81A>T (NM_001347708.2); c.-9-84A>T (NM_001347707.2); short protein forms T153S, T168S, T9S.
Identifiers: ClinVar variation 2183139 (VCV002183139.4), dbSNP rs2490543659, ClinGen allele CA370811463.

ClinVar aggregate classification (germline): Uncertain significance (1 of 4 stars; one submission).

Conditions:
Familial sleep-related hypermotor epilepsy. Also called: Autosomal Dominant Sleep-Related Hypermotor (Hyperkinetic) Epilepsy. Identifiers: Orphanet 98784, MedGen C3696898, MONDO:0000030.

Submission:

Labcorp Genetics (formerly Invitae), Labcorp
Classification: Uncertain significance. Last evaluated: 2024-02-24. Review status: criteria provided, single submitter. Criteria: Invitae Variant Classification Sherloc (09022015). Collection method: clinical testing. Allele origin: germline.
Comment: This sequence change replaces threonine, which is neutral and polar, with serine, which is neutral and polar, at codon 168 of the CHRNA2 protein (p.Thr168Ser). This variant is not present in population databases (gnomAD no frequency). This variant has not been reported in the literature in individuals affected with CHRNA2-related conditions. ClinVar contains an entry for this variant (Variation ID: 2183139). Advanced modeling of protein sequence and biophysical properties (such as structural, functional, and spatial information, amino acid conservation, physicochemical variation, residue mobility, and thermodynamic stability) performed at Invitae indicates that this missense variant is not expected to disrupt CHRNA2 protein function with a negative predictive value of 80%. In summary, the available evidence is currently insufficient to determine the role of this variant in disease. Therefore, it has been classified as a Variant of Uncertain Significance.